The following is an entry in ClinVar:

NM_015375.3(DSTYK):c.2764_2767del (p.Asn922fs)

Gene: DSTYK (dual serine/threonine and tyrosine protein kinase; minus strand). Cytogenetic location: 1q32.1.
Variant type: Deletion.
Coding change: c.2764_2767del on transcript NM_015375.3 (MANE Select); coding-DNA positions 2764 to 2767, 4 bases deleted (AACA; older notation c.2764_2767delAACA).
Protein change: p.Asn922fs; shifts the reading frame from asparagine 922.
Molecular consequence: frameshift variant.
Genome position (GRCh38, 1-based): chr1:205,147,581-205,147,584, TGTT deleted on the plus strand (AACA on the coding strand, the reverse complement: DSTYK is on the minus strand); deleting any 4 consecutive bases within chr1:205,147,581-205,147,586 gives the same sequence; the c. name uses the placement nearest the transcript's 3' end. VCF-style (leftmost placement, unchanged base first): chr1-205147580-CTGTT-C. GRCh37 (hg19) VCF-style: chr1-205116708-CTGTT-C.
Other names: c.2629_2632del, p.Asn877fs (NM_199462.3); short protein forms N922fs, N877fs.
Identifiers: ClinVar variation 3703184 (VCV003703184.3).

ClinVar aggregate classification (germline): Uncertain significance. Review status: criteria provided, multiple submitters, no conflicts (2 of 4 stars). 2 submissions from 2 submitters: Uncertain significance (2). Last evaluated 2024-12-12.

Submissions (2):

Labcorp Genetics (formerly Invitae), Labcorp
Classification: Uncertain significance. Last evaluated: 2024-12-12. Review status: criteria provided, single submitter. Criteria: Invitae Variant Classification Sherloc (09022015). Collection method: clinical testing. Allele origin: germline.
Comment: This sequence change creates a premature translational stop signal (p.Asn922Glufs*3) in the DSTYK gene. While this is not anticipated to result in nonsense mediated decay, it is expected to disrupt the last 8 amino acid(s) of the DSTYK protein. This variant is present in population databases (rs746299902, gnomAD 0.004%). This variant has not been reported in the literature in individuals affected with DSTYK-related conditions. Experimental studies and prediction algorithms are not available or were not evaluated, and the functional significance of this variant is currently unknown. In summary, the available evidence is currently insufficient to determine the role of this variant in disease. Therefore, it has been classified as a Variant of Uncertain Significance.

Blueprint Genetics
Classification: Uncertain significance. Last evaluated: 2024-10-24. Review status: criteria provided, single submitter. Criteria: ACMG Guidelines, 2015. Collection method: clinical testing. Allele origin: germline.